The following is an entry in ClinVar:

ClinVar aggregate classification (germline): Uncertain significance (1 of 4 stars; one submission).

Conditions:
Tay-Sachs disease (TSD). Also called: GM2 gangliosidosis, type 1; Hexosaminidase alpha-subunit deficiency (variant B); Sphingolipidosis, Tay-Sachs; Hexosaminidase A Deficiency; HEXA DEFICIENCY; HEXA Disorders. Identifiers: Orphanet 845, MedGen C0039373, MONDO:0010100, OMIM 272800.

Allele frequency attached by ClinVar (database versions not stated): ExAC 0.00001; gnomAD 0.00001; gnomAD exomes 0.00001; TOPMed 0.00001.
gnomAD v4.1: 14 of 1,614,080 alleles (0.00087%); highest among the groups gnomAD compares: Non-Finnish European, 0.0012%; no homozygotes.

Submission:

Labcorp Genetics (formerly Invitae), Labcorp
Classification: Uncertain significance for Tay-Sachs disease. Last evaluated: 2022-07-15. Review status: criteria provided, single submitter. Criteria: Invitae Variant Classification Sherloc (09022015). Collection method: clinical testing. Allele origin: germline.
Comment: This sequence change replaces alanine, which is neutral and non-polar, with valine, which is neutral and non-polar, at codon 22 of the HEXA protein (p.Ala22Val). This variant is present in population databases (rs750498339, gnomAD 0.002%). This variant has not been reported in the literature in individuals affected with HEXA-related conditions. Algorithms developed to predict the effect of missense changes on protein structure and function are either unavailable or do not agree on the potential impact of this missense change (SIFT: "Tolerated"; PolyPhen-2: "Not Available"; Align-GVGD: "Class C0"). In summary, the available evidence is currently insufficient to determine the role of this variant in disease. Therefore, it has been classified as a Variant of Uncertain Significance.

NM_000520.6(HEXA):c.65C>T (p.Ala22Val)

Gene: HEXA (hexosaminidase subunit alpha; minus strand). Cytogenetic location: 15q23.
Variant type: single nucleotide variant.
Coding change: c.65C>T on transcript NM_000520.6 (MANE Select); coding-DNA position 65, C replaced by T.
Protein change: p.Ala22Val; replaces alanine 22 with valine.
Molecular consequence: missense variant. On other transcripts: non-coding transcript variant (1).
Genome position (GRCh38, 1-based): chr15:72,375,908, G>A on the plus strand (C>T on the coding strand, the complement: HEXA is on the minus strand). VCF-style: chr15-72375908-G-A. GRCh37 (hg19) VCF-style: chr15-72668249-G-A.
Other names: c.65C>T, p.Ala22Val (NM_001318825.2); short protein forms A22V.
Identifiers: ClinVar variation 2146875 (VCV002146875.1), dbSNP rs750498339, ClinGen allele CA7645118.